The following is an entry in ClinVar:

NM_001081.4(CUBN):c.5672A>G (p.His1891Arg)

Gene: CUBN (cubilin; minus strand). Cytogenetic location: 10p13.
Variant type: single nucleotide variant.
Coding change: c.5672A>G on transcript NM_001081.4 (MANE Select); coding-DNA position 5672, A replaced by G.
Protein change: p.His1891Arg; replaces histidine 1891 with arginine.
Molecular consequence: missense variant.
Genome position (GRCh38, 1-based): chr10:16,939,024, T>C on the plus strand (A>G on the coding strand, the complement: CUBN is on the minus strand). VCF-style: chr10-16939024-T-C. GRCh37 (hg19) VCF-style: chr10-16981023-T-C.
Other names: short protein forms H1891R.
Identifiers: ClinVar variation 1960045 (VCV001960045.6), dbSNP rs777650624, ClinGen allele CA5423948.
Genomic context (GRCh38, chr10:16,939,024, plus strand): 5'-CTTAATTTGTCATAATAGCAGTTTTGTATTTCTTCTATGTCCATCTCCAAGATTCTACCA[T>C]GGACAACGTGAGATGCATTCACATTTACTGTCCATTGGTAATTGGAGTTATGTGGGTAGT-3'
Protein context (NP_001072.2, residues 1881-1901): TVNVNASHVV[His1891Arg]GRILEMDIEE

ClinVar aggregate classification (germline): Uncertain significance. Review status: criteria provided, multiple submitters, no conflicts (2 of 4 stars). 3 submissions from 3 submitters: Uncertain significance (3). Last evaluated 2025-07-05.

Conditions:
Inborn genetic diseases. Identifiers: MedGen C0950123, MeSH D030342.
Imerslund-Grasbeck syndrome. Also called: ENTEROCYTE COBALAMIN MALABSORPTION; ENTEROCYTE INTRINSIC FACTOR RECEPTOR, DEFECT OF; PERNICIOUS ANEMIA, JUVENILE, DUE TO SELECTIVE INTESTINAL MALABSORPTION OF VITAMIN B12, WITH PROTEINURIA; Megaloblastic anemia due to inborn errors of metabolism; Imerslund-Gräsbeck syndrome. Identifiers: Orphanet 35858, MedGen C4551825, MONDO:0009853.

Allele frequency attached by ClinVar (database versions not stated): gnomAD 0.00002; ExAC 0.00004.
gnomAD v4.1: 61 of 1,614,010 alleles (0.0038%); highest among the groups gnomAD compares: East Asian, 0.018%; 5 homozygotes.

Submissions (3):

GeneDx
Classification: Uncertain significance. Last evaluated: 2025-07-05. Review status: criteria provided, single submitter. Criteria: GeneDx Variant Classification Process June 2021. Collection method: clinical testing. Allele origin: germline. Affected: yes.
Comment: In silico analysis suggests that this missense variant does not alter protein structure/function; Has not been previously published as pathogenic or benign to our knowledge

Ambry Genetics
Classification: Uncertain significance for Inborn genetic diseases. Last evaluated: 2023-10-10. Review status: criteria provided, single submitter. Criteria: Ambry Variant Classification Scheme 2023. Collection method: clinical testing. Allele origin: germline.

Labcorp Genetics (formerly Invitae), Labcorp
Classification: Uncertain significance for Imerslund-Grasbeck syndrome. Last evaluated: 2022-11-09. Review status: criteria provided, single submitter. Criteria: Invitae Variant Classification Sherloc (09022015). Collection method: clinical testing. Allele origin: germline.
Comment: Advanced modeling of protein sequence and biophysical properties (such as structural, functional, and spatial information, amino acid conservation, physicochemical variation, residue mobility, and thermodynamic stability) performed at Invitae indicates that this missense variant is not expected to disrupt CUBN protein function. In summary, the available evidence is currently insufficient to determine the role of this variant in disease. Therefore, it has been classified as a Variant of Uncertain Significance. This sequence change replaces histidine, which is basic and polar, with arginine, which is basic and polar, at codon 1891 of the CUBN protein (p.His1891Arg). This variant has not been reported in the literature in individuals affected with CUBN-related conditions. This variant is present in population databases (rs777650624, gnomAD 0.03%).